The following is an entry in ClinVar:

NM_017882.3(CLN6):c.61_62insCGG (p.Leu20_Gly21insAla)

Gene: CLN6 (CLN6 transmembrane ER protein; minus strand). Cytogenetic location: 15q23.
Variant type: Insertion.
Coding change: c.61_62insCGG on transcript NM_017882.3 (MANE Select); coding-DNA positions 61 to 62, CGG inserted.
Protein change: p.Leu20_Gly21insAla.
Molecular consequence: inframe insertion.
Genome position: GRCh38 VCF-style: chr15-68229523-C-CCCG. GRCh37 (hg19) VCF-style: chr15-68521861-C-CCCG.
Identifiers: ClinVar variation 241228 (VCV000241228.7), dbSNP rs878855040, ClinGen allele CA10583259.

ClinVar aggregate classification (germline): Uncertain significance (1 of 4 stars; one submission).

Conditions:
Neuronal ceroid lipofuscinosis. Also called: Neuronal Ceroid Lipofuscinoses. Identifiers: Orphanet 216, Orphanet 79263, MedGen C0027877, MONDO:0016295. Disease mechanism: loss of function.

Submission:

Labcorp Genetics (formerly Invitae), Labcorp
Classification: Uncertain significance for Neuronal ceroid lipofuscinosis. Last evaluated: 2019-01-12. Review status: criteria provided, single submitter. Criteria: Invitae Variant Classification Sherloc (09022015). Collection method: clinical testing. Allele origin: germline.
Comment: This sequence change inserts 3 nucleotides in exon 1 of the CLN6 mRNA (c.61_62insCGG). This leads to the insertion of 1 amino acid residue in the CLN6 protein (p.Leu20_Gly21insAla) but otherwise preserves the integrity of the reading frame. This variant is not present in population databases (ExAC no frequency) and has not been reported in the literature in individuals with a CLN6-related disease. While this variant is not present in population databases (ExAC), the frequency information is unreliable due to low sequence coverage at this site. In summary, this is a novel in-frame insertion with uncertain impact on protein function. It has been classified as a Variant of Uncertain Significance.